The following is an entry in ClinVar:

NM_001943.5(DSG2):c.523+9C>T

Gene: DSG2 (desmoglein 2; plus strand). Cytogenetic location: 18q12.1.
Variant type: single nucleotide variant.
Coding change: c.523+9C>T on transcript NM_001943.5 (MANE Select); 9 bases into the intron after coding-DNA position 523, C replaced by T.
Molecular consequence: intron variant.
Genome position (GRCh38, 1-based): chr18:31,521,252, C>T. VCF-style: chr18-31521252-C-T. GRCh37 (hg19) VCF-style: chr18-29101215-C-T.
Other names: c.523+9C>T (LRG_397t1).
Identifiers: ClinVar variation 137162 (VCV000137162.1), dbSNP rs587780926, ClinGen allele CA022171.

ClinVar aggregate classification (germline): Benign (1 of 4 stars; one submission).

Submission:

GeneDx
Classification: Benign. Last evaluated: 2014-03-21. Review status: criteria provided, single submitter. Criteria: GeneDx Variant Classification (06012015). Collection method: clinical testing. Allele origin: germline. Affected: yes.
Comment: This variant is considered likely benign or benign based on one or more of the following criteria: it is a conservative change, it occurs at a poorly conserved position in the protein, it is predicted to be benign by multiple in silico algorithms, and/or has population frequency not consistent with disease.